The following is an entry in ClinVar:

NM_001291303.3(FAT4):c.9290G>A (p.Ser3097Asn)

Gene: FAT4 (FAT atypical cadherin 4; plus strand). Cytogenetic location: 4q28.1.
Variant type: single nucleotide variant.
Coding change: c.9290G>A on transcript NM_001291303.3 (MANE Select); coding-DNA position 9290, G replaced by A.
Protein change: p.Ser3097Asn; replaces serine 3097 with asparagine.
Molecular consequence: missense variant.
Genome position (GRCh38, 1-based): chr4:125,450,300, G>A. VCF-style: chr4-125450300-G-A. GRCh37 (hg19) VCF-style: chr4-126371455-G-A.
Other names: c.9290G>A (NM_001291303.1); c.9290G>A, p.Ser3097Asn (NM_001291285.3); c.9284G>A, p.Ser3095Asn (NM_024582.6); c.9284G>A (NM_024582.4); short protein forms S3095N, S3097N.
Identifiers: ClinVar variation 1598910 (VCV001598910.10), dbSNP rs766108453, ClinGen allele CA3073500.
Genomic context (GRCh38, chr4:125,450,300, plus strand): 5'-TTCACATAACTGTCACTGAGGAAAACTACCATACACCTGAATTCTCTCAAAGCCACATGA[G>A]TGCAACCATCCCTGAGAGCCATAGCATTGGGTCCATTGTCAGAACTGTTTCTGCAAGAGA-3'
Protein context (NP_001278232.1, residues 3087-3107): HTPEFSQSHM[Ser3097Asn]ATIPESHSIG

ClinVar aggregate classification (germline): Benign/Likely benign. Review status: criteria provided, multiple submitters, no conflicts (2 of 4 stars). 3 submissions from 3 submitters: Benign (1); Likely benign (2). Last evaluated 2025-08-26.

Conditions:
Inborn genetic diseases. Identifiers: MedGen C0950123, MeSH D030342.
FAT4-related disorder. Also called: FAT4-related condition.

Allele frequency attached by ClinVar (database versions not stated): gnomAD 0.00004 and 0.00006; gnomAD exomes 0.00005 and 0.00022; TOPMed 0.00006; ExAC 0.00016.
gnomAD v4.1: 86 of 1,614,106 alleles (0.0053%); highest among the groups gnomAD compares: East Asian, 0.1%; no homozygotes.

Submissions (3):

Labcorp Genetics (formerly Invitae), Labcorp
Classification: Benign. Last evaluated: 2025-08-26. Review status: criteria provided, single submitter. Criteria: Invitae Variant Classification Sherloc (09022015). Collection method: clinical testing. Allele origin: germline.

PreventionGenetics, part of Exact Sciences
Classification: Likely benign for FAT4-related condition. Last evaluated: 2025-04-29. Review status: criteria provided, single submitter. Criteria: ACMG Guidelines, 2015. Collection method: clinical testing. Allele origin: germline.
Comment: This variant is classified as likely benign based on ACMG/AMP sequence variant interpretation guidelines (Richards et al. 2015 PMID: 25741868, with internal and published modifications).

Ambry Genetics
Classification: Likely benign for Inborn genetic diseases. Last evaluated: 2024-05-07. Review status: criteria provided, single submitter. Criteria: Ambry Variant Classification Scheme 2023. Collection method: clinical testing. Allele origin: germline.